The following is an entry in ClinVar:

ClinVar aggregate classification (germline): Conflicting classifications of pathogenicity. Review status: criteria provided, conflicting classifications (1 of 4 stars). 4 submissions from 4 submitters: Uncertain significance (3); Likely benign (1). Last evaluated 2025-05-15.

Conditions:
Prostate cancer. Also called: Malignant tumor of prostate. Identifiers: Orphanet 1331, MedGen C0376358, MONDO:0008315, HP:0012125.
Medulloblastoma (MDB). Also called: MEDULLOBLASTOMA PREDISPOSITION SYNDROME; Medulloblastoma, somatic. Identifiers: Orphanet 616, MedGen C0025149, MeSH D008527, MONDO:0007959, OMIM 155255, HP:0002885.
Familial cancer of breast. Also called: BREAST CANCER, FAMILIAL; Hereditary breast cancer; hereditary breast carcinoma. Identifiers: Orphanet 227535, MedGen C0346153, MONDO:0016419, OMIM 114480. Disease mechanism: loss of function.
Breast-ovarian cancer, familial, susceptibility to, 2 (BROVCA2). Also called: BRCA2 Hereditary Breast and Ovarian Cancer. Identifiers: Orphanet 145, MedGen C2675520, MONDO:0012933, OMIM 612555. Disease mechanism: loss of function.
Fanconi anemia complementation group D1. Also called: BRCA2-Related Fanconi Anemia. Identifiers: Orphanet 319462, MedGen C1838457, MONDO:0011584, OMIM 605724.
Wilms tumor 1 (WT1). Also called: Wilms tumor, somatic. Identifiers: Orphanet 654, MedGen CN033288, MONDO:0008679, OMIM 194070.
Pancreatic cancer, susceptibility to, 2. Identifiers: Orphanet 1333, MedGen C3150546, MONDO:0013235, OMIM 613347.
Glioma susceptibility 3 (GLM3). Also called: Glioblastoma 3. Identifiers: Orphanet 182067, Orphanet 360, MedGen C2751641, MONDO:0013093, OMIM 613029.
Hereditary breast ovarian cancer syndrome. Also called: Hereditary breast and ovarian cancer syndrome; Breast and ovarian cancer; Hereditary breast and/or ovarian cancer syndrome; Hereditary breast and ovarian cancer syndrome (HBOC); BRCA1- and BRCA2-Associated Hereditary Breast and Ovarian Cancer; Hereditary breast and ovarian cancer. Identifiers: Orphanet 145, MedGen C0677776, MeSH D061325, MONDO:0003582. Disease mechanism: loss of function.
Hereditary cancer-predisposing syndrome. Also called: Hereditary Cancer Syndrome; Hereditary neoplastic syndrome; Neoplastic Syndromes, Hereditary; Tumor predisposition. Identifiers: Orphanet 140162, MedGen C0027672, MeSH D009386, MONDO:0015356.

Submissions (4):

Ambry Genetics
Classification: Likely benign for Hereditary cancer-predisposing syndrome. Last evaluated: 2025-05-15. Review status: criteria provided, single submitter. Criteria: Ambry Variant Classification Scheme 2023. Collection method: clinical testing. Allele origin: germline.

Labcorp Genetics (formerly Invitae), Labcorp
Classification: Uncertain significance for Hereditary breast ovarian cancer syndrome. Last evaluated: 2024-11-21. Review status: criteria provided, single submitter. Criteria: Invitae Variant Classification Sherloc (09022015). Collection method: clinical testing. Allele origin: germline.
Comment: This sequence change replaces asparagine, which is neutral and polar, with aspartic acid, which is acidic and polar, at codon 3099 of the BRCA2 protein (p.Asn3099Asp). This variant is not present in population databases (gnomAD no frequency). This variant has not been reported in the literature in individuals affected with BRCA2-related conditions. ClinVar contains an entry for this variant (Variation ID: 481559). Invitae Evidence Modeling of protein sequence and biophysical properties (such as structural, functional, and spatial information, amino acid conservation, physicochemical variation, residue mobility, and thermodynamic stability) indicates that this missense variant is not expected to disrupt BRCA2 protein function with a negative predictive value of 95%. In summary, the available evidence is currently insufficient to determine the role of this variant in disease. Therefore, it has been classified as a Variant of Uncertain Significance.

Color Diagnostics, LLC DBA Color Health
Classification: Uncertain significance for Hereditary cancer-predisposing syndrome. Last evaluated: 2024-05-22. Review status: criteria provided, single submitter. Criteria: ACMG Guidelines, 2015. Collection method: clinical testing. Allele origin: germline.
Comment: This missense variant replaces asparagine with aspartic acid at codon 3099 of the BRCA2 protein. Computational prediction is inconclusive regarding the impact of this variant on protein structure and function. To our knowledge, functional studies have not been reported for this variant. This variant has not been reported in individuals affected with BRCA2-related disorders in the literature. This variant has not been identified in the general population by the Genome Aggregation Database (gnomAD). The available evidence is insufficient to determine the role of this variant in disease conclusively. Therefore, this variant is classified as a Variant of Uncertain Significance.

Fulgent Genetics
Classification: Uncertain significance for Familial cancer of breast; Medulloblastoma; Familial prostate cancer; Wilms tumor 1; Fanconi anemia complementation group D1; Breast-ovarian cancer, familial, susceptibility to, 2; Glioma susceptibility 3; Pancreatic cancer, susceptibility to, 2. Last evaluated: 2021-09-09. Review status: criteria provided, single submitter. Criteria: ACMG Guidelines, 2015. Collection method: clinical testing. Allele origin: unknown.

NM_000059.4(BRCA2):c.9295A>G (p.Asn3099Asp)

Gene: BRCA2 (BRCA2 DNA repair associated; plus strand). Cytogenetic location: 13q13.1.
Variant type: single nucleotide variant.
Coding change: c.9295A>G on transcript NM_000059.4 (MANE Select); coding-DNA position 9295, A replaced by G.
Protein change: p.Asn3099Asp; replaces asparagine 3099 with aspartic acid.
Molecular consequence: missense variant.
Genome position (GRCh38, 1-based): chr13:32,394,727, A>G. VCF-style: chr13-32394727-A-G. GRCh37 (hg19) VCF-style: chr13-32968864-A-G.
Other names: short protein forms N3099D.
Identifiers: ClinVar variation 481559 (VCV000481559.13), dbSNP rs1555289516, ClinGen allele CA387760865.
Genomic context (GRCh38, chr13:32,394,727, plus strand): 5'-TTTTCTTTTTTTTCCATTCTAGGACTTGCCCCTTTCGTCTATTTGTCAGACGAATGTTAC[A>G]ATTTACTGGCAATAAAGTTTTGGATAGACCTTAATGAGGACATTATTAAGCCTCATATGT-3'
Protein context (NP_000050.3, residues 3089-3109): PFVYLSDECY[Asn3099Asp]LLAIKFWIDL